The following is an entry in ClinVar:

NM_000264.5(PTCH1):c.2281C>T (p.Leu761=)

Genes: PTCH1 (patched 1; minus strand), LOC100507346 (uncharacterized LOC100507346; plus strand). Cytogenetic location: 9q22.32.
Variant type: single nucleotide variant.
Coding change: c.2281C>T on transcript NM_000264.5 (MANE Select); coding-DNA position 2281, C replaced by T.
Protein change: p.Leu761=; no amino-acid change (leucine 761 retained).
Molecular consequence: synonymous variant. On other transcripts: non-coding transcript variant (1).
Genome position (GRCh38, 1-based): chr9:95,467,395, G>A on the plus strand (C>T on the coding strand, the complement: PTCH1 is on the minus strand). VCF-style: chr9-95467395-G-A. GRCh37 (hg19) VCF-style: chr9-98229677-G-A.
Other names: c.2083C>T, p.Leu695= (NM_001083602.3); c.2278C>T, p.Leu760= (NM_001083603.3); c.1828C>T, p.Leu610= (NM_001083604.3, NM_001083605.3, NM_001083606.3 and 1 more transcripts); c.2125C>T, p.Leu709= (NM_001354918.2).
Identifiers: ClinVar variation 512966 (VCV000512966.3), dbSNP rs1554694457, ClinGen allele CA466352166.

ClinVar aggregate classification (germline): Likely benign. Review status: criteria provided, multiple submitters, no conflicts (2 of 4 stars). 2 submissions from 2 submitters: Likely benign (2). Last evaluated 2024-08-21.

Conditions:
Gorlin syndrome. Also called: Nevoid Basal Cell Carcinoma Syndrome; Basal cell nevus syndrome. Identifiers: Orphanet 377, MedGen C0004779, MONDO:0007187.

Allele frequency attached by ClinVar (database versions not stated): gnomAD exomes below 0.00001.
gnomAD v4.1: 1 of 1,614,172 alleles (0.000062%); highest among the groups gnomAD compares: South Asian, 0.0011%; no homozygotes.

Submissions (2):

Labcorp Genetics (formerly Invitae), Labcorp
Classification: Likely benign for Gorlin syndrome. Last evaluated: 2024-08-21. Review status: criteria provided, single submitter. Criteria: Invitae Variant Classification Sherloc (09022015). Collection method: clinical testing. Allele origin: germline.

GeneDx
Classification: Likely benign. Last evaluated: 2017-10-19. Review status: criteria provided, single submitter. Criteria: GeneDx Variant Classification (06012015). Collection method: clinical testing. Allele origin: germline. Affected: yes.
Comment: This variant is considered likely benign or benign based on one or more of the following criteria: it is a conservative change, it occurs at a poorly conserved position in the protein, it is predicted to be benign by multiple in silico algorithms, and/or has population frequency not consistent with disease.